The following is an entry in ClinVar:

NM_002202.3(ISL1):c.297G>C (p.Val99=)

Gene: ISL1 (ISL LIM homeobox 1; plus strand). Cytogenetic location: 5q11.1.
Variant type: single nucleotide variant.
Coding change: c.297G>C on transcript NM_002202.3 (MANE Select); coding-DNA position 297, G replaced by C.
Protein change: p.Val99=; no amino-acid change (valine 99 retained).
Molecular consequence: synonymous variant.
Genome position (GRCh38, 1-based): chr5:51,387,568, G>C. VCF-style: chr5-51387568-G-C. GRCh37 (hg19) VCF-style: chr5-50683402-G-C.
Identifiers: ClinVar variation 3358585 (VCV003358585.1).

ClinVar aggregate classification (germline): Likely benign (0 of 4 stars; one submission).

Conditions:
ISL1-related disorder. Also called: ISL1-related condition.

gnomAD v4.1: 4 of 1,614,244 alleles (0.00025%); highest among the groups gnomAD compares: Admixed American, 0.0067%; no homozygotes.

Submission:

PreventionGenetics, part of Exact Sciences
Classification: Likely benign for ISL1-related condition. Last evaluated: 2023-10-23. Review status: no assertion criteria provided. Collection method: clinical testing. Allele origin: germline.
Comment: This variant is classified as likely benign based on ACMG/AMP sequence variant interpretation guidelines (Richards et al. 2015 PMID: 25741868, with internal and published modifications).